The following is an entry in ClinVar:

NM_024408.4(NOTCH2):c.5569A>C (p.Asn1857His)

Gene: NOTCH2 (notch receptor 2; minus strand). Cytogenetic location: 1p12.
Variant type: single nucleotide variant.
Coding change: c.5569A>C on transcript NM_024408.4 (MANE Select); coding-DNA position 5569, A replaced by C.
Protein change: p.Asn1857His; replaces asparagine 1857 with histidine.
Molecular consequence: missense variant.
Genome position (GRCh38, 1-based): chr1:119,919,524, T>G on the plus strand (A>C on the coding strand, the complement: NOTCH2 is on the minus strand). VCF-style: chr1-119919524-T-G. GRCh37 (hg19) VCF-style: chr1-120462147-T-G.
Other names: short protein forms N1857H.
Identifiers: ClinVar variation 2851807 (VCV002851807.3), dbSNP rs1473701408, ClinGen allele CA341884716.

ClinVar aggregate classification (germline): Uncertain significance (1 of 4 stars; one submission).

Conditions:
Hajdu-Cheney syndrome (HJCYS). Also called: ACROOSTEOLYSIS WITH OSTEOPOROSIS AND CHANGES IN SKULL AND MANDIBLE; SERPENTINE FIBULA-POLYCYSTIC KIDNEY SYNDROME; Acroosteolysis dominant type. Identifiers: Orphanet 955, MedGen C0917715, MONDO:0007057, OMIM 102500.

Submission:

Labcorp Genetics (formerly Invitae), Labcorp
Classification: Uncertain significance for Hajdu-Cheney syndrome. Last evaluated: 2023-04-03. Review status: criteria provided, single submitter. Criteria: Invitae Variant Classification Sherloc (09022015). Collection method: clinical testing. Allele origin: germline.
Comment: This sequence change replaces asparagine, which is neutral and polar, with histidine, which is basic and polar, at codon 1857 of the NOTCH2 protein (p.Asn1857His). This variant is not present in population databases (gnomAD no frequency). This variant has not been reported in the literature in individuals affected with NOTCH2-related conditions. Advanced modeling of protein sequence and biophysical properties (such as structural, functional, and spatial information, amino acid conservation, physicochemical variation, residue mobility, and thermodynamic stability) performed at Invitae indicates that this missense variant is not expected to disrupt NOTCH2 protein function. In summary, the available evidence is currently insufficient to determine the role of this variant in disease. Therefore, it has been classified as a Variant of Uncertain Significance.